The following is an entry in ClinVar:

ClinVar aggregate classification (germline): Uncertain significance. Review status: criteria provided, multiple submitters, no conflicts (2 of 4 stars). 5 submissions from 5 submitters: Uncertain significance (5). Last evaluated 2025-12-08.

Conditions:
Inborn genetic diseases. Identifiers: MedGen C0950123, MeSH D030342.

Allele frequency attached by ClinVar (database versions not stated): gnomAD exomes 0.00005 and 0.00012; TOPMed 0.00005; gnomAD 0.00007 and 0.00009; ExAC 0.00014; ESP Exome Variant Server 0.00015.
gnomAD v4.1: 80 of 1,613,938 alleles (0.005%); highest among the groups gnomAD compares: South Asian, 0.065%; 1 homozygote.

Submissions (5):

Labcorp Genetics (formerly Invitae), Labcorp
Classification: Uncertain significance. Last evaluated: 2025-12-08. Review status: criteria provided, single submitter. Criteria: Invitae Variant Classification Sherloc (09022015). Collection method: clinical testing. Allele origin: germline.
Comment: This sequence change replaces arginine, which is basic and polar, with glutamine, which is neutral and polar, at codon 973 of the MYO3A protein (p.Arg973Gln). This variant is present in population databases (rs142974032, gnomAD 0.08%). This variant has not been reported in the literature in individuals affected with MYO3A-related conditions. ClinVar contains an entry for this variant (Variation ID: 228982). Invitae Evidence Modeling of protein sequence and biophysical properties (such as structural, functional, and spatial information, amino acid conservation, physicochemical variation, residue mobility, and thermodynamic stability) indicates that this missense variant is not expected to disrupt MYO3A protein function with a negative predictive value of 80%. In summary, the available evidence is currently insufficient to determine the role of this variant in disease. Therefore, it has been classified as a Variant of Uncertain Significance.

Ambry Genetics
Classification: Uncertain significance for Inborn genetic diseases. Last evaluated: 2025-09-22. Review status: criteria provided, single submitter. Criteria: Ambry Variant Classification Scheme 2023. Collection method: clinical testing. Allele origin: germline.

GeneDx
Classification: Uncertain significance. Last evaluated: 2025-06-23. Review status: criteria provided, single submitter. Criteria: GeneDx Variant Classification Process June 2021. Collection method: clinical testing. Allele origin: germline. Affected: yes.
Comment: In silico analysis supports that this missense variant has a deleterious effect on protein structure/function; Has not been previously published as pathogenic or benign to our knowledge

Blueprint Genetics
Classification: Uncertain significance. Last evaluated: 2022-10-11. Review status: criteria provided, single submitter. Criteria: ACMG Guidelines, 2015. Collection method: clinical testing. Allele origin: germline.

Laboratory for Molecular Medicine, Mass General Brigham Personalized Medicine
Classification: Uncertain significance. Last evaluated: 2016-03-20. Review status: criteria provided, single submitter. Criteria: LMM Criteria. Collection method: clinical testing. Allele origin: germline. Observed: 1 variant allele.
Comment: The p.Arg973Gln variant in MYO3A has not been previously reported in individuals with hearing loss, but has been identified in 12/16510 of South Asian chromosom es and 5/10406 of African chromosomes by the Exome Aggregation Consortium (ExAC; dbSNP rs142974032). Although this variant has b een seen in the general population, its frequency is not high enough to rule out a pathogenic role. Computational prediction tools and conservation analysis sug gest that the p.Arg973Gln variant may impact the protein, though this informatio n is not predictive enough to determine pathogenicity. In summary, the clinical significance of the p.Arg973Gln variant is uncertain.

NM_017433.5(MYO3A):c.2918G>A (p.Arg973Gln)

Gene: MYO3A (myosin IIIA; plus strand). Cytogenetic location: 10p12.1.
Variant type: single nucleotide variant.
Coding change: c.2918G>A on transcript NM_017433.5 (MANE Select); coding-DNA position 2918, G replaced by A.
Protein change: p.Arg973Gln; replaces arginine 973 with glutamine.
Molecular consequence: missense variant.
Genome position (GRCh38, 1-based): chr10:26,157,434, G>A. VCF-style: chr10-26157434-G-A. GRCh37 (hg19) VCF-style: chr10-26446363-G-A.
Other names: short protein forms R973Q.
Identifiers: ClinVar variation 228982 (VCV000228982.13), dbSNP rs142974032, ClinGen allele CA5445104.